The following is an entry in ClinVar:

ClinVar aggregate classification (germline): Uncertain significance. Review status: criteria provided, single submitter (1 of 4 stars). 2 submissions from 2 submitters: Uncertain significance (1). 1 of the submissions does not count toward it. Last evaluated 2025-05-04.

Conditions:
CELSR1-related disorder. Also called: CELSR1-related condition.

gnomAD v4.1: 29 of 1,612,530 alleles (0.0018%); highest among the groups gnomAD compares: Non-Finnish European, 0.0014%; no homozygotes.

Submissions (2):

Ambry Genetics
Classification: Uncertain significance. Last evaluated: 2025-05-04. Review status: criteria provided, single submitter. Criteria: Ambry Variant Classification Scheme 2023. Collection method: clinical testing. Allele origin: germline.

PreventionGenetics, part of Exact Sciences
Classification: Uncertain significance for CELSR1-related condition. Last evaluated: 2024-08-07. Review status: no assertion criteria provided. Collection method: clinical testing. Allele origin: germline. Not counted in ClinVar's aggregate classification.
Comment: The CELSR1 c.8618G>A variant is predicted to result in the amino acid substitution p.Ser2873Asn. To our knowledge, this variant has not been reported in the literature. This variant is reported in 0.0024% of alleles in individuals of European (Non-Finnish) descent in gnomAD. At this time, the clinical significance of this variant is uncertain due to the absence of conclusive functional and genetic evidence.

NM_001378328.1(CELSR1):c.8618G>A (p.Ser2873Asn)

Gene: CELSR1 (cadherin EGF LAG seven-pass G-type receptor 1; minus strand). Cytogenetic location: 22q13.31.
Variant type: single nucleotide variant.
Coding change: c.8618G>A on transcript NM_001378328.1 (MANE Select); coding-DNA position 8618, G replaced by A.
Protein change: p.Ser2873Asn; replaces serine 2873 with asparagine.
Molecular consequence: missense variant.
Genome position (GRCh38, 1-based): chr22:46,364,673, C>T on the plus strand (G>A on the coding strand, the complement: CELSR1 is on the minus strand). VCF-style: chr22-46364673-C-T. GRCh37 (hg19) VCF-style: chr22-46760570-C-T.
Other names: c.8618G>A, p.Ser2873Asn (NM_014246.4); short protein forms S2873N.
Identifiers: ClinVar variation 3351539 (VCV003351539.2).